The following is an entry in ClinVar:

ClinVar aggregate classification (germline): Uncertain significance. Review status: criteria provided, multiple submitters, no conflicts (2 of 4 stars). 3 submissions from 3 submitters: Uncertain significance (3). Last evaluated 2026-01-05.

Conditions:
Cardiovascular phenotype. Identifiers: MedGen CN230736.
Cardiomyopathy (CMYO). Also called: Cardiomyopathies. Identifiers: Orphanet 167848, MedGen C0878544, MONDO:0004994, HP:0001638. Inheritance: Various modes of inheritance.
Hypertrophic cardiomyopathy. Also called: HYPERTROPHIC MYOCARDIOPATHY. Identifiers: Orphanet 217569, MedGen C0007194, MeSH D002312, MONDO:0005045, HP:0001639.

Allele frequency attached by ClinVar (database versions not stated): gnomAD exomes below 0.00001 and 0.00001; TOPMed 0.00001; ExAC 0.00002; ESP Exome Variant Server 0.00008.
gnomAD v4.1: 1 of 1,612,246 alleles (0.000062%); highest among the groups gnomAD compares: African/African-American, 0.0013%; no homozygotes.

Submissions (3):

Labcorp Genetics (formerly Invitae), Labcorp
Classification: Uncertain significance for Hypertrophic cardiomyopathy. Last evaluated: 2026-01-05. Review status: criteria provided, single submitter. Criteria: Invitae Variant Classification Sherloc (09022015). Collection method: clinical testing. Allele origin: germline.
Comment: This sequence change replaces lysine, which is basic and polar, with glutamine, which is neutral and polar, at codon 185 of the MYBPC3 protein (p.Lys185Gln). This variant is present in population databases (rs375607980, gnomAD 0.01%). This variant has not been reported in the literature in individuals affected with MYBPC3-related conditions. ClinVar contains an entry for this variant (Variation ID: 574262). An algorithm developed to predict the effect of missense changes on protein structure and function (PolyPhen-2) suggests that this variant is likely to be disruptive. In summary, the available evidence is currently insufficient to determine the role of this variant in disease. Therefore, it has been classified as a Variant of Uncertain Significance.

Color Diagnostics, LLC DBA Color Health
Classification: Uncertain significance for Cardiomyopathy. Last evaluated: 2025-07-14. Review status: criteria provided, single submitter. Criteria: ACMG Guidelines, 2015. Collection method: clinical testing. Allele origin: germline.
Comment: This missense variant replaces lysine with glutamine at codon 185 of the MYBPC3 protein. Computational prediction suggests that this variant may not impact protein structure and function. To our knowledge, functional studies have not been reported for this variant. This variant has not been reported in individuals affected with MYBPC3-related disorders in the literature. This variant has been identified in 2/244068 chromosomes in the general population by the Genome Aggregation Database (gnomAD). The available evidence is insufficient to determine the role of this variant in disease conclusively. Therefore, this variant is classified as a Variant of Uncertain Significance.

Ambry Genetics
Classification: Uncertain significance for Cardiovascular phenotype. Last evaluated: 2025-05-19. Review status: criteria provided, single submitter. Criteria: Ambry Variant Classification Scheme 2023. Collection method: clinical testing. Allele origin: germline.
Comment: The p.K185Q variant (also known as c.553A>C), located in coding exon 5 of the MYBPC3 gene, results from an A to C substitution at nucleotide position 553. The lysine at codon 185 is replaced by glutamine, an amino acid with similar properties. This amino acid position is highly conserved in available vertebrate species. In addition, the in silico prediction for this alteration is inconclusive. Based on the available evidence, the clinical significance of this variant remains unclear.

NM_000256.3(MYBPC3):c.553A>C (p.Lys185Gln)

Gene: MYBPC3 (myosin binding protein C3; minus strand). Cytogenetic location: 11p11.2.
Variant type: single nucleotide variant.
Coding change: c.553A>C on transcript NM_000256.3 (MANE Select); coding-DNA position 553, A replaced by C.
Protein change: p.Lys185Gln; replaces lysine 185 with glutamine.
Molecular consequence: missense variant.
Genome position (GRCh38, 1-based): chr11:47,349,875, T>G on the plus strand (A>C on the coding strand, the complement: MYBPC3 is on the minus strand). VCF-style: chr11-47349875-T-G. GRCh37 (hg19) VCF-style: chr11-47371426-T-G.
Other names: c.553A>C, p.Lys185Gln (LRG_386t1); short protein forms K185Q.
Identifiers: ClinVar variation 574262 (VCV000574262.11), dbSNP rs375607980, ClinGen allele CA055990.